The following is an entry in ClinVar:

NM_003823.4(TNFRSF6B):c.418G>A (p.Ala140Thr)

Genes: RTEL1-TNFRSF6B (RTEL1-TNFRSF6B readthrough (NMD candidate); plus strand), TNFRSF6B (TNF receptor superfamily member 6b; plus strand). Cytogenetic location: 20q13.33.
Variant type: single nucleotide variant.
Coding change: c.418G>A on transcript NM_003823.4 (MANE Select); coding-DNA position 418, G replaced by A.
Protein change: p.Ala140Thr; replaces alanine 140 with threonine.
Molecular consequence: missense variant. On other transcripts: non-coding transcript variant (1).
Genome position (GRCh38, 1-based): chr20:63,697,185, G>A. VCF-style: chr20-63697185-G-A. GRCh37 (hg19) VCF-style: chr20-62328538-G-A.
Other names: c.418G>A (NM_003823.3); short protein forms A140T.
Identifiers: ClinVar variation 3019417 (VCV003019417.4), dbSNP rs776080663, ClinGen allele CA9966440.
Genomic context (GRCh38, chr20:63,697,185, plus strand): 5'-TTCGCGCACGCTGGTTTCTGCTTGGAGCACGCATCGTGTCCACCTGGTGCCGGCGTGATT[G>A]CCCCGGGTGAGAGCTGGGCGAGGGGAGGGGCCCCCAGGAGTGGTGGCCGGAGGTGTGGCA-3'
Protein context (NP_003814.1, residues 130-150): ASCPPGAGVI[Ala140Thr]PGTPSQNTQC

ClinVar aggregate classification (germline): Uncertain significance. Review status: criteria provided, multiple submitters, no conflicts (2 of 4 stars). 2 submissions from 2 submitters: Uncertain significance (2). Last evaluated 2026-01-26.

Allele frequency attached by ClinVar (database versions not stated): 1000 Genomes Project 30x 0.00016; TOPMed 0.00008; gnomAD 0.00010.

Submissions (2):

Labcorp Genetics (formerly Invitae), Labcorp
Classification: Uncertain significance. Last evaluated: 2026-01-26. Review status: criteria provided, single submitter. Criteria: Invitae Variant Classification Sherloc (09022015). Collection method: clinical testing. Allele origin: germline.
Comment: This sequence change replaces alanine, which is neutral and non-polar, with threonine, which is neutral and polar, at codon 140 of the TNFRSF6B protein (p.Ala140Thr). This variant is present in population databases (rs776080663, gnomAD 0.02%). This variant has not been reported in the literature in individuals affected with TNFRSF6B-related conditions. ClinVar contains an entry for this variant (Variation ID: 3019417). An algorithm developed to predict the effect of missense changes on protein structure and function outputs the following: PolyPhen-2: "Benign". The threonine amino acid residue is found in multiple mammalian species, which suggests that this missense change does not adversely affect protein function. In summary, the available evidence is currently insufficient to determine the role of this variant in disease. Therefore, it has been classified as a Variant of Uncertain Significance.

Ambry Genetics
Classification: Uncertain significance. Last evaluated: 2025-01-21. Review status: criteria provided, single submitter. Criteria: Ambry Variant Classification Scheme 2023. Collection method: clinical testing. Allele origin: germline.